The following is an entry in ClinVar:

NM_206965.2(FTCD):c.1291del (p.Glu431fs)

Gene: FTCD (formimidoyltransferase cyclodeaminase; minus strand). Cytogenetic location: 21q22.3.
Variant type: Deletion.
Coding change: c.1291del on transcript NM_206965.2 (MANE Select); coding-DNA position 1291, one base deleted (G; older notation c.1291delG).
Protein change: p.Glu431fs; shifts the reading frame from glutamic acid 431.
Molecular consequence: frameshift variant.
Genome position (GRCh38, 1-based): chr21:46,138,893, C deleted on the plus strand (G on the coding strand, the reverse complement: FTCD is on the minus strand). VCF-style (leftmost placement, unchanged base first): chr21-46138892-TC-T. GRCh37 (hg19) VCF-style: chr21-47558806-TC-T.
Other names: c.1291del, p.Glu431fs (NM_001320412.2, NM_006657.3); c.1291del (NM_006657.2); short protein forms E431fs.
Identifiers: ClinVar variation 631883 (VCV000631883.7), dbSNP rs775788856, ClinGen allele CA10073536.

ClinVar aggregate classification (germline): Conflicting classifications of pathogenicity. Review status: criteria provided, conflicting classifications (1 of 4 stars). 2 submissions from 2 submitters: Likely pathogenic (1); Uncertain significance (1). Last evaluated 2026-03-24.

Conditions:
Glutamate formiminotransferase deficiency. Also called: Formiminoglutamic aciduria; Arakawa syndrome 1. Identifiers: Orphanet 51208, MedGen C0268609, MONDO:0009240, OMIM 229100.

Allele frequency attached by ClinVar (database versions not stated): gnomAD exomes 0.00001 and 0.00002; ESP Exome Variant Server 0.00008; ExAC 0.00002; gnomAD 0.00009 and 0.00010; TOPMed 0.00025.

Submissions (2):

GeneDx
Classification: Uncertain significance. Last evaluated: 2026-03-24. Review status: criteria provided, single submitter. Criteria: GeneDx Variant Classification Process June 2021. Collection method: clinical testing. Allele origin: germline.
Comment: Frameshift variant predicted to result in protein truncation or nonsense mediated decay in a gene for which loss of function is a known mechanism of disease; Has not been previously published as pathogenic or benign to our knowledge

Fulgent Genetics
Classification: Likely pathogenic for Glutamate formiminotransferase deficiency. Last evaluated: 2024-03-25. Review status: criteria provided, single submitter. Criteria: ACMG Guidelines, 2015. Collection method: clinical testing. Allele origin: germline.